The following is an entry in ClinVar:

ClinVar aggregate classification (germline): Uncertain significance (1 of 4 stars; one submission).

Conditions:
Cortical dysplasia-focal epilepsy syndrome (PTHSL1). Also called: Pitt-Hopkins-like syndrome 1. Identifiers: Orphanet 163681, Orphanet 221150, MedGen C2750246, MONDO:0012400, OMIM 610042.

Submission:

Labcorp Genetics (formerly Invitae), Labcorp
Classification: Uncertain significance for Cortical dysplasia-focal epilepsy syndrome. Last evaluated: 2022-06-20. Review status: criteria provided, single submitter. Criteria: Invitae Variant Classification Sherloc (09022015). Collection method: clinical testing. Allele origin: germline.
Comment: This sequence change replaces methionine, which is neutral and non-polar, with lysine, which is basic and polar, at codon 1224 of the CNTNAP2 protein (p.Met1224Lys). In summary, the available evidence is currently insufficient to determine the role of this variant in disease. Therefore, it has been classified as a Variant of Uncertain Significance. Algorithms developed to predict the effect of sequence changes on RNA splicing suggest that this variant may create or strengthen a splice site. Algorithms developed to predict the effect of missense changes on protein structure and function are either unavailable or do not agree on the potential impact of this missense change (SIFT: "Deleterious"; PolyPhen-2: "Benign"; Align-GVGD: "Class C0"). ClinVar contains an entry for this variant (Variation ID: 935586). This variant has not been reported in the literature in individuals affected with CNTNAP2-related conditions. This variant is not present in population databases (gnomAD no frequency).

NM_014141.6(CNTNAP2):c.3671T>A (p.Met1224Lys)

Gene: CNTNAP2 (contactin associated protein 2; plus strand). Cytogenetic location: 7q36.1.
Variant type: single nucleotide variant.
Coding change: c.3671T>A on transcript NM_014141.6 (MANE Select); coding-DNA position 3671, T replaced by A.
Protein change: p.Met1224Lys; replaces methionine 1224 with lysine.
Molecular consequence: missense variant.
Genome position (GRCh38, 1-based): chr7:148,383,844, T>A. VCF-style: chr7-148383844-T-A. GRCh37 (hg19) VCF-style: chr7-148080936-T-A.
Other names: short protein forms M1224K.
Identifiers: ClinVar variation 935586 (VCV000935586.10), dbSNP rs1563066784, ClinGen allele CA369704931.